The following is an entry in ClinVar:

NM_001142699.3(DLG2):c.1157C>T (p.Thr386Ile)

Gene: DLG2 (discs large MAGUK scaffold protein 2; minus strand). Cytogenetic location: 11q14.1.
Variant type: single nucleotide variant.
Coding change: c.1157C>T on transcript NM_001142699.3 (MANE Select); coding-DNA position 1157, C replaced by T.
Protein change: p.Thr386Ile; replaces threonine 386 with isoleucine.
Molecular consequence: missense variant. On other transcripts: non-coding transcript variant (1).
Genome position (GRCh38, 1-based): chr11:83,965,368, G>A on the plus strand (C>T on the coding strand, the complement: DLG2 is on the minus strand). VCF-style: chr11-83965368-G-A. GRCh37 (hg19) VCF-style: chr11-83676411-G-A.
Other names: c.689C>T, p.Thr230Ile (NM_001142700.2); c.959C>T, p.Thr320Ile (NM_001206769.2, NM_001377966.1, NM_001377967.1 and 2 more transcripts); c.842C>T, p.Thr281Ile (NM_001300983.1, NM_001364.3, NM_001377968.1); c.1193C>T, p.Thr398Ile (NM_001351274.2); c.1190C>T, p.Thr397Ile (NM_001351275.2); c.899C>T, p.Thr300Ile (NM_001351276.2); c.743C>T, p.Thr248Ile (NM_001377972.1, NM_001377974.1, NM_001377975.1); c.716C>T, p.Thr239Ile (NM_001377973.1); short protein forms T230I, T239I, T248I, T281I, T300I, T320I, T386I, T397I.
Identifiers: ClinVar variation 2634839 (VCV002634839.1), dbSNP rs2546676338, ClinGen allele CA382195918.

ClinVar aggregate classification (germline): Uncertain significance (1 of 4 stars; one submission).

Conditions:
DLG2-related disorder. Also called: DLG2-related condition.

Submission:

PreventionGenetics, part of Exact Sciences
Classification: Uncertain significance for DLG2-related condition. Last evaluated: 2023-03-20. Review status: criteria provided, single submitter. Criteria: ACMG Guidelines, 2015. Collection method: clinical testing. Allele origin: germline.
Comment: The DLG2 c.1157C>T variant is predicted to result in the amino acid substitution p.Thr386Ile. To our knowledge, this variant has not been reported in the literature or in a large population database, indicating this variant is rare. At this time, the clinical significance of this variant is uncertain due to the absence of conclusive functional and genetic evidence.